The following is an entry in ClinVar:

ClinVar aggregate classification (germline): Pathogenic (1 of 4 stars; one submission).

Conditions:
Hereditary cancer-predisposing syndrome. Also called: Tumor predisposition; Neoplastic Syndromes, Hereditary; Hereditary neoplastic syndrome; Hereditary Cancer Syndrome. Identifiers: Orphanet 140162, MedGen C0027672, MeSH D009386, MONDO:0015356.

Submission:

Ambry Genetics
Classification: Pathogenic for Hereditary cancer-predisposing syndrome. Last evaluated: 2024-09-18. Review status: criteria provided, single submitter. Criteria: Ambry Variant Classification Scheme 2023. Collection method: clinical testing. Allele origin: germline.
Comment: The c.4893delT pathogenic mutation, located in coding exon 31 of the ATM gene, results from a deletion of one nucleotide at nucleotide position 4893, causing a translational frameshift with a predicted alternate stop codon (p.M1632*). This variant is considered to be rare based on population cohorts in the Genome Aggregation Database (gnomAD). This alteration is expected to result in loss of function by premature protein truncation or nonsense-mediated mRNA decay. As such, this alteration is interpreted as a disease-causing mutation.

NM_000051.4(ATM):c.4893del (p.Ile1631_Met1632insTer)

Gene: ATM (ATM serine/threonine kinase; plus strand). Cytogenetic location: 11q22.3.
Variant type: Deletion.
Coding change: c.4893del on transcript NM_000051.4 (MANE Select); coding-DNA position 4893, one base deleted (T; older notation c.4893delT).
Protein change: p.Ile1631_Met1632insTer.
Molecular consequence: frameshift variant.
Genome position (GRCh38, 1-based): chr11:108,295,043, T deleted; the last of 2 consecutive T bases (chr11:108,295,042-108,295,043); deleting either gives the same sequence. VCF-style (leftmost placement, unchanged base first): chr11-108295041-AT-A. GRCh37 (hg19) VCF-style: chr11-108165768-AT-A.
Other names: c.4893del, p.Ile1631_Met1632insTer (NM_001351834.2).
Identifiers: ClinVar variation 3451077 (VCV003451077.1).